The following is an entry in ClinVar:

ClinVar aggregate classification (germline): Uncertain significance (1 of 4 stars; one submission).

Conditions:
Ullrich congenital muscular dystrophy 2 (UCMD2). Identifiers: Orphanet 75840, MedGen C4225314, MONDO:0014654, OMIM 616470.
Bethlem myopathy 2 (BTHLM2). Identifiers: Orphanet 536516, Orphanet 610, MedGen C4225313, MONDO:0034022, OMIM 616471.

Submission:

Labcorp Genetics (formerly Invitae), Labcorp
Classification: Uncertain significance for Bethlem myopathy 2; Ullrich congenital muscular dystrophy 2. Last evaluated: 2022-09-20. Review status: criteria provided, single submitter. Criteria: Invitae Variant Classification Sherloc (09022015). Collection method: clinical testing. Allele origin: germline.
Comment: This variant is not present in population databases (gnomAD no frequency). In summary, the available evidence is currently insufficient to determine the role of this variant in disease. Therefore, it has been classified as a Variant of Uncertain Significance. Advanced modeling of protein sequence and biophysical properties (such as structural, functional, and spatial information, amino acid conservation, physicochemical variation, residue mobility, and thermodynamic stability) performed at Invitae indicates that this missense variant is not expected to disrupt COL12A1 protein function. This variant has not been reported in the literature in individuals affected with COL12A1-related conditions. This sequence change replaces phenylalanine, which is neutral and non-polar, with leucine, which is neutral and non-polar, at codon 2339 of the COL12A1 protein (p.Phe2339Leu).

NM_004370.6(COL12A1):c.7015T>C (p.Phe2339Leu)

Gene: COL12A1 (collagen type XII alpha 1 chain; minus strand). Cytogenetic location: 6q13.
Variant type: single nucleotide variant.
Coding change: c.7015T>C on transcript NM_004370.6 (MANE Select); coding-DNA position 7015, T replaced by C.
Protein change: p.Phe2339Leu; replaces phenylalanine 2339 with leucine.
Molecular consequence: missense variant.
Genome position (GRCh38, 1-based): chr6:75,121,373, A>G on the plus strand (T>C on the coding strand, the complement: COL12A1 is on the minus strand). VCF-style: chr6-75121373-A-G. GRCh37 (hg19) VCF-style: chr6-75831089-A-G.
Other names: c.3523T>C, p.Phe1175Leu (NM_080645.3); short protein forms F1175L, F2339L.
Identifiers: ClinVar variation 1719925 (VCV001719925.6), dbSNP rs2533214150, ClinGen allele CA364750069.
Genomic context (GRCh38, chr6:75,121,373, plus strand): 5'-CAGGACTGATTTCATCAAAGCCTCCCACAGTATTGAAGATGAATTTTACAACTTTGTTAA[A>G]ATTATCGTCCCCAATGCTCCAGGAGGCATCAGTCAAGAACACAATATCTGCCTTGGCCCC-3'
Protein context (NP_004361.3, residues 2329-2349): DASWSIGDDN[Phe2339Leu]NKVVKFIFNT